The following is an entry in ClinVar:

NM_138927.4(SON):c.1058C>T (p.Ser353Leu)

Gene: SON (SON DNA and RNA binding protein; plus strand). Cytogenetic location: 21q22.11.
Variant type: single nucleotide variant.
Coding change: c.1058C>T on transcript NM_138927.4 (MANE Select); coding-DNA position 1058, C replaced by T.
Protein change: p.Ser353Leu; replaces serine 353 with leucine.
Molecular consequence: missense variant. On other transcripts: non-coding transcript variant (1), intron variant (1).
Genome position (GRCh38, 1-based): chr21:33,550,289, C>T. VCF-style: chr21-33550289-C-T. GRCh37 (hg19) VCF-style: chr21-34922595-C-T.
Other names: c.1058C>T, p.Ser353Leu (NM_001291411.2, NM_001412133.1, NM_032195.3 and 2 more transcripts); c.244+3910C>T (NM_001291412.3); short protein forms S353L.
Identifiers: ClinVar variation 2755022 (VCV002755022.8), dbSNP rs2517350080, ClinGen allele CA410153061.

ClinVar aggregate classification (germline): Conflicting classifications of pathogenicity. Review status: criteria provided, conflicting classifications (1 of 4 stars). 2 submissions from 2 submitters: Uncertain significance (1); Likely benign (1). Last evaluated 2025-12-01.

Allele frequency attached by ClinVar (database versions not stated): gnomAD exomes below 0.00001.

Submissions (2):

CeGaT Center for Human Genetics Tuebingen
Classification: Likely benign. Last evaluated: 2025-12-01. Review status: criteria provided, single submitter. Criteria: CeGaT Center For Human Genetics Tuebingen Variant Classification Criteria Version 2. Collection method: clinical testing. Allele origin: germline. Affected: yes. Observed: 1 variant allele.
Comment: SON: BP4

Labcorp Genetics (formerly Invitae), Labcorp
Classification: Uncertain significance. Last evaluated: 2023-08-28. Review status: criteria provided, single submitter. Criteria: Invitae Variant Classification Sherloc (09022015). Collection method: clinical testing. Allele origin: germline.
Comment: This sequence change replaces serine, which is neutral and polar, with leucine, which is neutral and non-polar, at codon 353 of the SON protein (p.Ser353Leu). This variant is not present in population databases (gnomAD no frequency). This variant has not been reported in the literature in individuals affected with SON-related conditions. An algorithm developed to predict the effect of missense changes on protein structure and function (PolyPhen-2) suggests that this variant is likely to be disruptive. In summary, the available evidence is currently insufficient to determine the role of this variant in disease. Therefore, it has been classified as a Variant of Uncertain Significance.